The following is an entry in ClinVar:

ClinVar aggregate classification (germline): Uncertain significance. Review status: criteria provided, multiple submitters, no conflicts (2 of 4 stars). 3 submissions from 3 submitters: Uncertain significance (3). Last evaluated 2025-09-04.

Conditions:
Cardiovascular phenotype. Identifiers: MedGen CN230736.

Submissions (3):

Ambry Genetics
Classification: Uncertain significance for Cardiovascular phenotype. Last evaluated: 2025-09-04. Review status: criteria provided, single submitter. Criteria: Ambry Variant Classification Scheme 2023. Collection method: clinical testing. Allele origin: germline.
Comment: The p.C340R variant (also known as c.1018T>C), located in coding exon 4 of the LOX gene, results from a T to C substitution at nucleotide position 1018. The cysteine at codon 340 is replaced by arginine, an amino acid with highly dissimilar properties. This amino acid position is conserved. In addition, this alteration is predicted to be deleterious by in silico analysis. Based on the available evidence, the clinical significance of this variant remains unclear.

Labcorp Genetics (formerly Invitae), Labcorp
Classification: Uncertain significance. Last evaluated: 2024-07-10. Review status: criteria provided, single submitter. Criteria: Invitae Variant Classification Sherloc (09022015). Collection method: clinical testing. Allele origin: germline.
Comment: This sequence change replaces cysteine, which is neutral and slightly polar, with arginine, which is basic and polar, at codon 340 of the LOX protein (p.Cys340Arg). This variant is not present in population databases (gnomAD no frequency). This variant has not been reported in the literature in individuals affected with LOX-related conditions. Advanced modeling of protein sequence and biophysical properties (such as structural, functional, and spatial information, amino acid conservation, physicochemical variation, residue mobility, and thermodynamic stability) performed at Invitae indicates that this missense variant is expected to disrupt LOX protein function with a positive predictive value of 80%. In summary, the available evidence is currently insufficient to determine the role of this variant in disease. Therefore, it has been classified as a Variant of Uncertain Significance.

Blueprint Genetics
Classification: Uncertain significance. Last evaluated: 2023-06-07. Review status: criteria provided, single submitter. Criteria: ACMG Guidelines, 2015. Collection method: clinical testing. Allele origin: germline.

NM_002317.7(LOX):c.1018T>C (p.Cys340Arg)

Genes: LOX (lysyl oxidase; minus strand), SRFBP1 (serum response factor binding protein 1; plus strand). Cytogenetic location: 5q23.1.
Variant type: single nucleotide variant.
Coding change: c.1018T>C on transcript NM_002317.7 (MANE Select); coding-DNA position 1018, T replaced by C.
Protein change: p.Cys340Arg; replaces cysteine 340 with arginine.
Molecular consequence: missense variant.
Genome position (GRCh38, 1-based): chr5:122,074,030, A>G on the plus strand (T>C on the coding strand, the complement: LOX is on the minus strand). VCF-style: chr5-122074030-A-G. GRCh37 (hg19) VCF-style: chr5-121409725-A-G.
Other names: c.328T>C, p.Cys110Arg (NM_001178102.2); c.127T>C, p.Cys43Arg (NM_001317073.1); c.1018T>C (NM_002317.5); short protein forms C110R, C43R, C340R.
Identifiers: ClinVar variation 3659122 (VCV003659122.4).